The following is an entry in ClinVar:

NM_000059.4(BRCA2):c.10034C>G (p.Ala3345Gly)

Gene: BRCA2 (BRCA2 DNA repair associated; plus strand). Cytogenetic location: 13q13.1.
Variant type: single nucleotide variant.
Coding change: c.10034C>G on transcript NM_000059.4 (MANE Select); coding-DNA position 10034, C replaced by G.
Protein change: p.Ala3345Gly; replaces alanine 3345 with glycine.
Molecular consequence: missense variant.
Genome position (GRCh38, 1-based): chr13:32,398,547, C>G. VCF-style: chr13-32398547-C-G. GRCh37 (hg19) VCF-style: chr13-32972684-C-G.
Other names: short protein forms A3345G.
Identifiers: ClinVar variation 1524516 (VCV001524516.10), dbSNP rs1593202201, ClinGen allele CA387767778.

ClinVar aggregate classification (germline): Uncertain significance. Review status: criteria provided, multiple submitters, no conflicts (2 of 4 stars). 2 submissions from 2 submitters: Uncertain significance (2). Last evaluated 2022-09-17.

Conditions:
Hereditary breast ovarian cancer syndrome. Also called: Breast and ovarian cancer; BRCA1- and BRCA2-Associated Hereditary Breast and Ovarian Cancer; Hereditary breast and ovarian cancer syndrome; Hereditary breast and ovarian cancer; Hereditary breast and ovarian cancer syndrome (HBOC); Hereditary breast and/or ovarian cancer syndrome. Identifiers: Orphanet 145, MedGen C0677776, MeSH D061325, MONDO:0003582. Disease mechanism: loss of function.
Hereditary cancer-predisposing syndrome. Also called: Neoplastic Syndromes, Hereditary; Hereditary Cancer Syndrome; Tumor predisposition; Hereditary neoplastic syndrome. Identifiers: Orphanet 140162, MedGen C0027672, MeSH D009386, MONDO:0015356.

Submissions (2):

Ambry Genetics
Classification: Uncertain significance for Hereditary cancer-predisposing syndrome. Last evaluated: 2022-09-17. Review status: criteria provided, single submitter. Criteria: Ambry Variant Classification Scheme 2023. Collection method: clinical testing. Allele origin: germline.
Comment: The p.A3345G variant (also known as c.10034C>G), located in coding exon 26 of the BRCA2 gene, results from a C to G substitution at nucleotide position 10034. The alanine at codon 3345 is replaced by glycine, an amino acid with similar properties. This amino acid position is conserved. In addition, this alteration is predicted to be tolerated by in silico analysis. Since supporting evidence is limited at this time, the clinical significance of this alteration remains unclear.

Labcorp Genetics (formerly Invitae), Labcorp
Classification: Uncertain significance for Hereditary breast ovarian cancer syndrome. Last evaluated: 2021-04-09. Review status: criteria provided, single submitter. Criteria: Invitae Variant Classification Sherloc (09022015). Collection method: clinical testing. Allele origin: germline.
Comment: In summary, the available evidence is currently insufficient to determine the role of this variant in disease. Therefore, it has been classified as a Variant of Uncertain Significance. Advanced modeling of protein sequence and biophysical properties (such as structural, functional, and spatial information, amino acid conservation, physicochemical variation, residue mobility, and thermodynamic stability) performed at Invitae indicates that this missense variant is not expected to disrupt BRCA2 protein function. This sequence change replaces alanine with glycine at codon 3345 of the BRCA2 protein (p.Ala3345Gly). The alanine residue is highly conserved and there is a small physicochemical difference between alanine and glycine. This variant has not been reported in the literature in individuals with BRCA2-related conditions. This variant is not present in population databases (ExAC no frequency).